The following is an entry in ClinVar:

NM_032043.3(BRIP1):c.1714G>A (p.Val572Ile)

Gene: BRIP1 (BRCA1 interacting DNA helicase 1; minus strand). Cytogenetic location: 17q23.2.
Variant type: single nucleotide variant.
Coding change: c.1714G>A on transcript NM_032043.3 (MANE Select); coding-DNA position 1714, G replaced by A.
Protein change: p.Val572Ile; replaces valine 572 with isoleucine.
Molecular consequence: missense variant.
Genome position (GRCh38, 1-based): chr17:61,780,920, C>T on the plus strand (G>A on the coding strand, the complement: BRIP1 is on the minus strand). VCF-style: chr17-61780920-C-T. GRCh37 (hg19) VCF-style: chr17-59858281-C-T.
Other names: short protein forms V572I.
Identifiers: ClinVar variation 1315630 (VCV001315630.5), dbSNP rs1567813643, ClinGen allele CA400480403.

ClinVar aggregate classification (germline): Uncertain significance. Review status: criteria provided, multiple submitters, no conflicts (2 of 4 stars). 2 submissions from 2 submitters: Uncertain significance (2). Last evaluated 2024-11-05.

Conditions:
Familial cancer of breast. Also called: Hereditary breast cancer; hereditary breast carcinoma; BREAST CANCER, FAMILIAL. Identifiers: Orphanet 227535, MedGen C0346153, MONDO:0016419, OMIM 114480. Disease mechanism: loss of function.
Fanconi anemia complementation group J. Also called: BRIP1-Related Fanconi Anemia. Identifiers: Orphanet 84, MedGen C1836860, MONDO:0012187, OMIM 609054.

Submissions (2):

Labcorp Genetics (formerly Invitae), Labcorp
Classification: Uncertain significance for Familial cancer of breast; Fanconi anemia complementation group J. Last evaluated: 2024-11-05. Review status: criteria provided, single submitter. Criteria: Invitae Variant Classification Sherloc (09022015). Collection method: clinical testing. Allele origin: germline.
Comment: This sequence change replaces valine, which is neutral and non-polar, with isoleucine, which is neutral and non-polar, at codon 572 of the BRIP1 protein (p.Val572Ile). This variant is not present in population databases (gnomAD no frequency). This variant has not been reported in the literature in individuals affected with BRIP1-related conditions. ClinVar contains an entry for this variant (Variation ID: 1315630). Invitae Evidence Modeling of protein sequence and biophysical properties (such as structural, functional, and spatial information, amino acid conservation, physicochemical variation, residue mobility, and thermodynamic stability) indicates that this missense variant is not expected to disrupt BRIP1 protein function with a negative predictive value of 95%. In summary, the available evidence is currently insufficient to determine the role of this variant in disease. Therefore, it has been classified as a Variant of Uncertain Significance.

GeneDx
Classification: Uncertain significance. Last evaluated: 2019-05-28. Review status: criteria provided, single submitter. Criteria: GeneDx Variant Classification Process June 2021. Collection method: clinical testing. Allele origin: germline. Affected: yes.
Comment: Not observed in large population cohorts (Lek et al., 2016); Has not been previously published as pathogenic or benign to our knowledge